The following is an entry in ClinVar:

NM_001903.5(CTNNA1):c.772_773delinsAA (p.Ala258Lys)

Gene: CTNNA1 (catenin alpha 1; plus strand). Cytogenetic location: 5q31.2.
Variant type: Indel.
Coding change: c.772_773delinsAA on transcript NM_001903.5 (MANE Select); coding-DNA positions 772 to 773, GC replaced by AA.
Protein change: p.Ala258Lys; replaces alanine 258 with lysine.
Molecular consequence: missense variant.
Genome position (GRCh38, 1-based): chr5:138,824,713-138,824,714, GC replaced by AA. VCF-style: chr5-138824713-GC-AA. GRCh37 (hg19) VCF-style: chr5-138160402-GC-AA.
Other names: c.772_773delinsAA, p.Ala258Lys (NM_001290307.3, NM_001323982.2, NM_001323983.1 and 3 more transcripts); c.463_464delinsAA, p.Ala155Lys (NM_001290309.3); c.403_404delinsAA, p.Ala135Lys (NM_001290310.3); short protein forms A135K, A155K, A258K.
Identifiers: ClinVar variation 1760315 (VCV001760315.6), dbSNP rs2532425550, ClinGen allele CA2580072899.

ClinVar aggregate classification (germline): Uncertain significance. Review status: criteria provided, multiple submitters, no conflicts (2 of 4 stars). 2 submissions from 2 submitters: Uncertain significance (2). Last evaluated 2024-04-12.

Conditions:
Hereditary cancer-predisposing syndrome. Also called: Neoplastic Syndromes, Hereditary; Tumor predisposition; Hereditary Cancer Syndrome; Hereditary neoplastic syndrome. Identifiers: Orphanet 140162, MedGen C0027672, MeSH D009386, MONDO:0015356.

Submissions (2):

Ambry Genetics
Classification: Uncertain significance for Hereditary cancer-predisposing syndrome. Last evaluated: 2024-04-12. Review status: criteria provided, single submitter. Criteria: Ambry Variant Classification Scheme 2023. Collection method: clinical testing. Allele origin: germline.
Comment: The c.772_773delGCinsAA variant (also known as p.A258K), located in coding exon 5 of the CTNNA1 gene, results from an in-frame deletion of GC and insertion of AA at nucleotide positions 772 to 773. This results in the substitution of the alanine residue for a lysine residue at codon 258, an amino acid with dissimilar properties. This amino acid position is highly conserved in available vertebrate species. The evidence for this gene-disease relationship is limited; therefore, the clinical significance of this alteration is unclear.

Labcorp Genetics (formerly Invitae), Labcorp
Classification: Uncertain significance. Last evaluated: 2023-02-16. Review status: criteria provided, single submitter. Criteria: Invitae Variant Classification Sherloc (09022015). Collection method: clinical testing. Allele origin: germline.
Comment: In summary, the available evidence is currently insufficient to determine the role of this variant in disease. Therefore, it has been classified as a Variant of Uncertain Significance. An algorithm developed to predict the effect of missense changes on protein structure and function (PolyPhen-2) suggests that this variant is likely to be disruptive. This variant has not been reported in the literature in individuals affected with CTNNA1-related conditions. ClinVar contains an entry for this variant (Variation ID: 1760315). Information on the frequency of this variant in the gnomAD database is not available, as this variant may be reported differently in the database. This sequence change replaces alanine, which is neutral and non-polar, with lysine, which is basic and polar, at codon 258 of the CTNNA1 protein (p.Ala258Lys).